The following is an entry in ClinVar:

ClinVar aggregate classification (germline): Benign. Review status: criteria provided, multiple submitters, no conflicts (2 of 4 stars). 5 submissions from 5 submitters: Benign (5). Last evaluated 2026-02-04.

Conditions:
Osteogenesis imperfecta type 8 (OI8). Identifiers: MedGen C1970458, MONDO:0012581, OMIM 610915.

Allele frequency attached by ClinVar (database versions not stated): gnomAD exomes 0.04569; ExAC 0.04735; 1000 Genomes Project 0.06190; gnomAD 0.06552 and 0.06792; TOPMed 0.07142; ESP Exome Variant Server 0.07397.
gnomAD v4.1: 74,318 of 1,613,442 alleles (4.6%); highest among the groups gnomAD compares: African/African-American, 14%; 2,196 homozygotes.

Submissions 1 to 31 of 119:

Labcorp Genetics (formerly Invitae), Labcorp
Classification: Benign for Osteogenesis imperfecta type 8. Last evaluated: 2026-02-04. Review status: criteria provided, single submitter. Criteria: Invitae Variant Classification Sherloc (09022015). Collection method: clinical testing. Allele origin: germline.

Mayo Clinic Laboratories, Mayo Clinic
Classification: Benign. Last evaluated: 2022-04-26. Review status: criteria provided, single submitter. Criteria: ACMG Guidelines, 2015. Collection method: clinical testing. Allele origin: germline. Observed: 12 variant alleles.

Genome-Nilou Lab
Classification: Benign for Osteogenesis imperfecta type 8. Last evaluated: 2021-08-19. Review status: criteria provided, single submitter. Criteria: ACMG Guidelines, 2015. Collection method: clinical testing. Allele origin: germline. Affected: no.

GeneDx
Classification: Benign. Last evaluated: 2016-05-06. Review status: criteria provided, single submitter. Criteria: GeneDx Variant Classification (06012015). Collection method: clinical testing. Allele origin: germline. Affected: yes.
Comment: This variant is considered likely benign or benign based on one or more of the following criteria: it is a conservative change, it occurs at a poorly conserved position in the protein, it is predicted to be benign by multiple in silico algorithms, and/or has population frequency not consistent with disease.

Breakthrough Genomics
Classification: Benign. Review status: criteria provided, single submitter. Criteria: ACMG Guidelines, 2015. Collection method: not provided. Allele origin: germline. Inheritance: Autosomal recessive inheritance. Affected: yes.

Dr. Peter K. Rogan Lab, Western University
No classification provided (evidence only). Condition: Acute myeloid leukemia. Review status: no classification provided. Collection method: in vitro. Allele origin: not applicable. Functional consequence: retained intron. Not counted in ClinVar's aggregate classification.

Dr. Peter K. Rogan Lab, Western University
No classification provided (evidence only). Condition: Acute myeloid leukemia. Review status: no classification provided. Collection method: in vitro. Allele origin: not applicable. Functional consequence: skipped exon. Not counted in ClinVar's aggregate classification.

Dr. Peter K. Rogan Lab, Western University
No classification provided (evidence only). Condition: Acute myeloid leukemia. Review status: no classification provided. Collection method: in vitro. Allele origin: not applicable. Functional consequence: retained intron. Not counted in ClinVar's aggregate classification.

Dr. Peter K. Rogan Lab, Western University
No classification provided (evidence only). Condition: Acute myeloid leukemia. Review status: no classification provided. Collection method: in vitro. Allele origin: not applicable. Functional consequence: retained intron. Not counted in ClinVar's aggregate classification.

Dr. Peter K. Rogan Lab, Western University
No classification provided (evidence only). Condition: Acute myeloid leukemia. Review status: no classification provided. Collection method: in vitro. Allele origin: not applicable. Functional consequence: skipped exon, retained intron. Not counted in ClinVar's aggregate classification.

Dr. Peter K. Rogan Lab, Western University
No classification provided (evidence only). Condition: Colorectal cancer. Review status: no classification provided. Collection method: in vitro. Allele origin: not applicable. Functional consequence: retained intron. Not counted in ClinVar's aggregate classification.

Dr. Peter K. Rogan Lab, Western University
No classification provided (evidence only). Condition: Colorectal cancer. Review status: no classification provided. Collection method: in vitro. Allele origin: not applicable. Functional consequence: retained intron. Not counted in ClinVar's aggregate classification.

Dr. Peter K. Rogan Lab, Western University
No classification provided (evidence only). Condition: Colorectal cancer. Review status: no classification provided. Collection method: in vitro. Allele origin: not applicable. Functional consequence: retained intron. Not counted in ClinVar's aggregate classification.

Dr. Peter K. Rogan Lab, Western University
No classification provided (evidence only). Condition: Sarcoma. Review status: no classification provided. Collection method: in vitro. Allele origin: not applicable. Functional consequence: retained intron. Not counted in ClinVar's aggregate classification.

Dr. Peter K. Rogan Lab, Western University
No classification provided (evidence only). Condition: Sarcoma. Review status: no classification provided. Collection method: in vitro. Allele origin: not applicable. Functional consequence: retained intron. Not counted in ClinVar's aggregate classification.

Dr. Peter K. Rogan Lab, Western University
No classification provided (evidence only). Condition: Sarcoma. Review status: no classification provided. Collection method: in vitro. Allele origin: not applicable. Functional consequence: retained intron. Not counted in ClinVar's aggregate classification.

Dr. Peter K. Rogan Lab, Western University
No classification provided (evidence only). Condition: Sarcoma. Review status: no classification provided. Collection method: in vitro. Allele origin: not applicable. Functional consequence: retained intron. Not counted in ClinVar's aggregate classification.

Dr. Peter K. Rogan Lab, Western University
No classification provided (evidence only). Condition: Sarcoma. Review status: no classification provided. Collection method: in vitro. Allele origin: not applicable. Functional consequence: skipped exon, retained intron. Not counted in ClinVar's aggregate classification.

Dr. Peter K. Rogan Lab, Western University
No classification provided (evidence only). Condition: Sarcoma. Review status: no classification provided. Collection method: in vitro. Allele origin: not applicable. Functional consequence: retained intron. Not counted in ClinVar's aggregate classification.

Dr. Peter K. Rogan Lab, Western University
No classification provided (evidence only). Condition: Sarcoma. Review status: no classification provided. Collection method: in vitro. Allele origin: not applicable. Functional consequence: retained intron. Not counted in ClinVar's aggregate classification.

Dr. Peter K. Rogan Lab, Western University
No classification provided (evidence only). Condition: Sarcoma. Review status: no classification provided. Collection method: in vitro. Allele origin: not applicable. Functional consequence: retained intron. Not counted in ClinVar's aggregate classification.

Dr. Peter K. Rogan Lab, Western University
No classification provided (evidence only). Condition: Sarcoma. Review status: no classification provided. Collection method: in vitro. Allele origin: not applicable. Functional consequence: retained intron. Not counted in ClinVar's aggregate classification.

Dr. Peter K. Rogan Lab, Western University
No classification provided (evidence only). Condition: Sarcoma. Review status: no classification provided. Collection method: in vitro. Allele origin: not applicable. Functional consequence: retained intron. Not counted in ClinVar's aggregate classification.

Dr. Peter K. Rogan Lab, Western University
No classification provided (evidence only). Condition: Sarcoma. Review status: no classification provided. Collection method: in vitro. Allele origin: not applicable. Functional consequence: retained intron. Not counted in ClinVar's aggregate classification.

Dr. Peter K. Rogan Lab, Western University
No classification provided (evidence only). Condition: Chronic lymphocytic leukemia/small lymphocytic lymphoma. Review status: no classification provided. Collection method: in vitro. Allele origin: not applicable. Functional consequence: retained intron. Not counted in ClinVar's aggregate classification.

Dr. Peter K. Rogan Lab, Western University
No classification provided (evidence only). Condition: Chronic lymphocytic leukemia/small lymphocytic lymphoma. Review status: no classification provided. Collection method: in vitro. Allele origin: not applicable. Functional consequence: retained intron. Not counted in ClinVar's aggregate classification.

Dr. Peter K. Rogan Lab, Western University
No classification provided (evidence only). Condition: Chronic lymphocytic leukemia/small lymphocytic lymphoma. Review status: no classification provided. Collection method: in vitro. Allele origin: not applicable. Functional consequence: retained intron. Not counted in ClinVar's aggregate classification.

Dr. Peter K. Rogan Lab, Western University
No classification provided (evidence only). Condition: Chronic lymphocytic leukemia/small lymphocytic lymphoma. Review status: no classification provided. Collection method: in vitro. Allele origin: not applicable. Functional consequence: retained intron. Not counted in ClinVar's aggregate classification.

Dr. Peter K. Rogan Lab, Western University
No classification provided (evidence only). Condition: Chronic lymphocytic leukemia/small lymphocytic lymphoma. Review status: no classification provided. Collection method: in vitro. Allele origin: not applicable. Functional consequence: retained intron. Not counted in ClinVar's aggregate classification.

Dr. Peter K. Rogan Lab, Western University
No classification provided (evidence only). Condition: Chronic lymphocytic leukemia/small lymphocytic lymphoma. Review status: no classification provided. Collection method: in vitro. Allele origin: not applicable. Functional consequence: skipped exon, retained intron. Not counted in ClinVar's aggregate classification.

Dr. Peter K. Rogan Lab, Western University
No classification provided (evidence only). Condition: Chronic lymphocytic leukemia/small lymphocytic lymphoma. Review status: no classification provided. Collection method: in vitro. Allele origin: not applicable. Functional consequence: retained intron. Not counted in ClinVar's aggregate classification.

NM_022356.4(P3H1):c.2055+17C>T

Gene: P3H1 (prolyl 3-hydroxylase 1; minus strand). Cytogenetic location: 1p34.2.
Variant type: single nucleotide variant.
Coding change: c.2055+17C>T on transcript NM_022356.4 (MANE Select); 17 bases into the intron after coding-DNA position 2055, C replaced by T.
Molecular consequence: intron variant. On other transcripts: missense variant (2).
Genome position (GRCh38, 1-based): chr1:42,747,255, G>A on the plus strand (C>T on the coding strand, the complement: P3H1 is on the minus strand). VCF-style: chr1-42747255-G-A. GRCh37 (hg19) VCF-style: chr1-43212926-G-A.
Other names: p.?; c.2072C>T, p.Ala691Val (NM_001146289.2, NM_001243246.2); short protein forms A691V.
Identifiers: ClinVar variation 379445 (VCV000379445.13), dbSNP rs67014447, ClinGen allele CA801602.
Genomic context (GRCh38, chr1:42,747,255, plus strand): 5'-AGAAAGGCAAACCAAGGGCGCTCTGGGAACGGGTCACCACAGCACCAGCTGCTCTCACCC[G>A]CTCGAGCTGCTCTCACCCGCTCGCTGTGTCGAGGGTCCAGGGTGAACCACAGGGCGATGG-3'